The following is an entry in ClinVar:

NM_016203.4(PRKAG2):c.477CTC[2] (p.Ser162del)

Gene: PRKAG2 (protein kinase AMP-activated non-catalytic subunit gamma 2; minus strand). Cytogenetic location: 7q36.1.
Variant type: Microsatellite.
Coding change: c.477CTC[2] on transcript NM_016203.4 (MANE Select); two copies in a row of the 3-base unit CTC starting at c.477; the reference has three copies in a row; one copy, 3 bases deleted; also written c.483_485del.
Protein change: p.Ser162del; deletes serine 162.
Molecular consequence: inframe deletion.
Genome position (GRCh38, 1-based): chr7:151,675,619-151,675,621, GAG deleted on the plus strand (CTC on the coding strand, the reverse complement: PRKAG2 is on the minus strand); deleting any 3 consecutive bases within chr7:151,675,619-151,675,627 gives the same sequence; the position shown is the placement nearest the transcript's 3' end. VCF-style (leftmost placement, unchanged base first): chr7-151675618-AGAG-A. GRCh37 (hg19) VCF-style: chr7-151372704-AGAG-A.
Other names: c.345CTC[2], p.Ser118del (NM_001040633.2); c.105CTC[2], p.Ser38del (NM_001304527.2, NM_001363698.2); c.483_485del (NM_016203.4); short protein forms S162del, S38del, S118del.
Identifiers: ClinVar variation 577624 (VCV000577624.11), dbSNP rs1002236859, ClinGen allele CA169447545.
Genomic context (GRCh38, chr7:151,675,618, plus strand): 5'-GTGCTTATAGGATTCCAGGGGAAACGTGTGCTGCTTGGTCACTTGGGTGGGTGTTGACGG[AGAG>A]GAGGAGAGGCCGGAGGCTGCAGAAGAAACACCAAGGACGGTCAGAGGTCCGGCTTCCAGG-3'

ClinVar aggregate classification (germline): Uncertain significance. Review status: criteria provided, multiple submitters, no conflicts (2 of 4 stars). 4 submissions from 4 submitters: Uncertain significance (4). Last evaluated 2024-05-20.

Conditions:
Cardiomyopathy (CMYO). Also called: Cardiomyopathies. Identifiers: Orphanet 167848, MedGen C0878544, MONDO:0004994, HP:0001638. Inheritance: Various modes of inheritance.
Lethal congenital glycogen storage disease of heart. Also called: PHOSPHORYLASE KINASE DEFICIENCY OF HEART; GLYCOGEN STORAGE DISEASE OF HEART. Identifiers: Orphanet 439854, MedGen C1849813, MONDO:0009867, OMIM 261740.

Submissions (4):

Labcorp Genetics (formerly Invitae), Labcorp
Classification: Uncertain significance for Lethal congenital glycogen storage disease of heart. Last evaluated: 2024-05-20. Review status: criteria provided, single submitter. Criteria: Invitae Variant Classification Sherloc (09022015). Collection method: clinical testing. Allele origin: germline.
Comment: This variant, c.483_485del, results in the deletion of 1 amino acid(s) of the PRKAG2 protein (p.Ser162del), but otherwise preserves the integrity of the reading frame. This variant is not present in population databases (gnomAD no frequency). This variant has not been reported in the literature in individuals affected with PRKAG2-related conditions. ClinVar contains an entry for this variant (Variation ID: 577624). Experimental studies and prediction algorithms are not available or were not evaluated, and the functional significance of this variant is currently unknown. In summary, the available evidence is currently insufficient to determine the role of this variant in disease. Therefore, it has been classified as a Variant of Uncertain Significance.

Color Diagnostics, LLC DBA Color Health
Classification: Uncertain significance for Cardiomyopathy. Last evaluated: 2024-02-06. Review status: criteria provided, single submitter. Criteria: ACMG Guidelines, 2015. Collection method: clinical testing. Allele origin: germline.
Comment: This variant causes an in-frame deletion of one amino acid at exon 4 of the PRKAG2 protein. To our knowledge, functional studies have not been reported for this variant. This variant has not been reported in individuals affected with PRKAG2-related disorders in the literature. This variant has not been identified in the general population by the Genome Aggregation Database (gnomAD). The available evidence is insufficient to determine the role of this variant in disease conclusively. Therefore, this variant is classified as a Variant of Uncertain Significance.

Women's Health and Genetics/Laboratory Corporation of America, LabCorp
Classification: Uncertain significance. Last evaluated: 2022-05-24. Review status: criteria provided, single submitter. Criteria: LabCorp Variant Classification Summary - May 2015. Collection method: clinical testing. Allele origin: germline.
Comment: Variant summary: PRKAG2 c.483_485delCTC (p.Ser162del) results in an in-frame deletion that is predicted to remove one amino acid from the encoded protein. The variant was absent in 251414 control chromosomes. The available data on variant occurrences in the general population are insufficient to allow any conclusion about variant significance. To our knowledge, no occurrence of c.483_485delCTC in individuals affected with Hypertrophic Cardiomyopathy With Wolff-Parkinson-White and no experimental evidence demonstrating its impact on protein function have been reported. Two clinical diagnostic laboratories have submitted clinical-significance assessments for this variant to ClinVar after 2014 without evidence for independent evaluation. All laboratories classified the variant as uncertain significance. Based on the evidence outlined above, the variant was classified as uncertain significance.

GeneDx
Classification: Uncertain significance. Last evaluated: 2019-06-03. Review status: criteria provided, single submitter. Criteria: GeneDx Variant Classification Process June 2021. Collection method: clinical testing. Allele origin: germline. Affected: yes.
Comment: Has not been previously published as pathogenic or benign to our knowledge; Reported in ClinVar as a variant of uncertain significance but additional evidence is not available (ClinVar Variant ID# 561419; Landrum et al., 2016); Variant results in an in-frame deletion of a single serine residue, denoted p.S162del; Not observed in large population cohorts (Lek et al., 2016); In silico analysis, which includes protein predictors and evolutionary conservation, supports that this variant does not alter protein structure/function